The following is an entry in ClinVar:

NM_002693.3(POLG):c.1313del (p.Asn438fs)

Gene: POLG (DNA polymerase gamma, catalytic subunit; minus strand). Cytogenetic location: 15q26.1.
Variant type: Deletion.
Coding change: c.1313del on transcript NM_002693.3 (MANE Select); coding-DNA position 1313, one base deleted (A; older notation c.1313delA).
Protein change: p.Asn438fs; shifts the reading frame from asparagine 438.
Molecular consequence: frameshift variant.
Genome position (GRCh38, 1-based): chr15:89,327,287, T deleted on the plus strand (A on the coding strand, the reverse complement: POLG is on the minus strand); the first of 2 consecutive T bases (chr15:89,327,287-89,327,288); deleting either gives the same sequence. VCF-style (leftmost placement, unchanged base first): chr15-89327286-GT-G. GRCh37 (hg19) VCF-style: chr15-89870517-GT-G.
Other names: c.1313del, p.Asn438fs (NM_001126131.2); short protein forms N438fs.
Identifiers: ClinVar variation 5014290 (VCV005014290.1).

ClinVar aggregate classification (germline): Pathogenic (1 of 4 stars; one submission).

Conditions:
POLG-related disorder. Also called: POLG-Related Spectrum Disorders; POLG-related condition; POLG-Related Disorders. Identifiers: MedGen C4763519.

Submission:

Myriad Genetics, Inc.
Classification: Pathogenic for POLG-related disorder. Last evaluated: 2025-04-02. Review status: criteria provided, single submitter. Criteria: Myriad Autosomal Dominant, Autosomal Recessive and X-Linked Classification Criteria (2023). Collection method: clinical testing. Allele origin: unknown.
Comment: NM_002693.2(POLG):c.1313delA(N438Tfs*22) is expected to be pathogenic in the context of POLG-related disorders. This variant is predicted to lead to an abnormal or absent protein product due to the creation of a premature termination codon in POLG, a gene where loss-of-function variants are known to be pathogenic. Please note: this variant was assessed in the context of healthy population screening.